The following is an entry in ClinVar:

NM_199242.3(UNC13D):c.3269C>T (p.Pro1090Leu)

Gene: UNC13D (unc-13 homolog D; minus strand). Cytogenetic location: 17q25.1.
Variant type: single nucleotide variant.
Coding change: c.3269C>T on transcript NM_199242.3 (MANE Select); coding-DNA position 3269, C replaced by T.
Protein change: p.Pro1090Leu; replaces proline 1090 with leucine.
Molecular consequence: missense variant.
Genome position (GRCh38, 1-based): chr17:75,827,969, G>A on the plus strand (C>T on the coding strand, the complement: UNC13D is on the minus strand). VCF-style: chr17-75827969-G-A. GRCh37 (hg19) VCF-style: chr17-73824050-G-A.
Other names: c.3269C>T (NM_199242.2); short protein forms P1090L.
Identifiers: ClinVar variation 1446662 (VCV001446662.6), dbSNP rs751649441, ClinGen allele CA8772200.
Genomic context (GRCh38, chr17:75,827,969, plus strand): 5'-AGGAAAGCCCTTGCAAGTCCCCACCGGGGACCCAGCCCCACCGCAAACCTCTACGGCTAC[G>A]GTGCCGGCCGCAAGGCATGCTGGGAGGCCTGCTTGGCCCGGTGCCGCCGCAGCCTCACAA-3'
Protein context (NP_954712.1, residues 1080-1090): QASQHALRPA[Pro1090Leu]

ClinVar aggregate classification (germline): Uncertain significance. Review status: criteria provided, multiple submitters, no conflicts (2 of 4 stars). 2 submissions from 2 submitters: Uncertain significance (2). Last evaluated 2025-02-03.

Conditions:
Inborn genetic diseases. Identifiers: MedGen C0950123, MeSH D030342.
Familial hemophagocytic lymphohistiocytosis 3 (FHL3). Also called: UNC13D-Related Familial Hemophagocytic Lymphohistiocytosis (UNC13D-fHLH). Identifiers: Orphanet 540, MedGen C1837174, MONDO:0012146, OMIM 608898.

Allele frequency attached by ClinVar (database versions not stated): gnomAD exomes 0.00002 and 0.00010; ExAC 0.00009; TOPMed 0.00015; gnomAD 0.00017 and 0.00018.
gnomAD v4.1: 54 of 1,607,146 alleles (0.0034%); highest among the groups gnomAD compares: Admixed American, 0.072%; no homozygotes.

Submissions (2):

Ambry Genetics
Classification: Uncertain significance for Inborn genetic diseases. Last evaluated: 2025-02-03. Review status: criteria provided, single submitter. Criteria: Ambry Variant Classification Scheme 2023. Collection method: clinical testing. Allele origin: germline.

Labcorp Genetics (formerly Invitae), Labcorp
Classification: Uncertain significance for Familial hemophagocytic lymphohistiocytosis 3. Last evaluated: 2022-04-01. Review status: criteria provided, single submitter. Criteria: Invitae Variant Classification Sherloc (09022015). Collection method: clinical testing. Allele origin: germline.
Comment: This sequence change replaces proline, which is neutral and non-polar, with leucine, which is neutral and non-polar, at codon 1090 of the UNC13D protein (p.Pro1090Leu). This variant is present in population databases (rs751649441, gnomAD 0.05%). This variant has not been reported in the literature in individuals affected with UNC13D-related conditions. Algorithms developed to predict the effect of missense changes on protein structure and function output the following: SIFT: "Not Available"; PolyPhen-2: "Probably Damaging"; Align-GVGD: "Not Available". The leucine amino acid residue is found in multiple mammalian species, which suggests that this missense change does not adversely affect protein function. In summary, the available evidence is currently insufficient to determine the role of this variant in disease. Therefore, it has been classified as a Variant of Uncertain Significance.